The following is an entry in ClinVar:

NM_000474.4(TWIST1):c.487C>T (p.Leu163Phe)

Genes: TWIST1 (twist family bHLH transcription factor 1; minus strand), LOC129998021 (ATAC-STARR-seq lymphoblastoid active region 25682; plus strand). Cytogenetic location: 7p21.1.
Variant type: single nucleotide variant.
Coding change: c.487C>T on transcript NM_000474.4 (MANE Select); coding-DNA position 487, C replaced by T.
Protein change: p.Leu163Phe; replaces leucine 163 with phenylalanine.
Molecular consequence: missense variant. On other transcripts: non-coding transcript variant (1).
Genome position (GRCh38, 1-based): chr7:19,116,835, G>A on the plus strand (C>T on the coding strand, the complement: TWIST1 is on the minus strand). VCF-style: chr7-19116835-G-A. GRCh37 (hg19) VCF-style: chr7-19156458-G-A.
Other names: short protein forms L163F.
Identifiers: ClinVar variation 568616 (VCV000568616.9), dbSNP rs867957820, ClinGen allele CA155466583.

ClinVar aggregate classification (germline): Uncertain significance (1 of 4 stars; one submission).

Conditions:
TWIST1-related craniosynostosis (CRS1). Also called: CRANIOSYNOSTOSIS 1. Identifiers: Orphanet 63440, MedGen C4551902, MONDO:0007399, OMIM 123100. Inheritance: Heterogenous inheritance pattern.
Saethre-Chotzen syndrome (SCS). Also called: ACROCEPHALY, SKULL ASYMMETRY, AND MILD SYNDACTYLY; ACS III; CHOTZEN SYNDROME. Identifiers: Orphanet 794, MedGen C0175699, MONDO:0007042, OMIM 101400.

Allele frequency attached by ClinVar (database versions not stated): gnomAD exomes below 0.00001.

Submission:

Labcorp Genetics (formerly Invitae), Labcorp
Classification: Uncertain significance for TWIST1-related craniosynostosis; Saethre-Chotzen syndrome. Last evaluated: 2018-04-20. Review status: criteria provided, single submitter. Criteria: Invitae Variant Classification Sherloc (09022015). Collection method: clinical testing. Allele origin: germline.
Comment: In summary, the available evidence is currently insufficient to determine the role of this variant in disease. Therefore, it has been classified as a Variant of Uncertain Significance. Algorithms developed to predict the effect of missense changes on protein structure and function do not agree on the potential impact of this missense change (SIFT: "Deleterious"; PolyPhen-2: "Probably Damaging"; Align-GVGD: "Class C0"). This variant has been reported in individuals affected with craniosynostosis (PMID: 25271085, 29037998). This variant is not present in population databases (ExAC no frequency). This sequence change replaces leucine with phenylalanine at codon 163 of the TWIST1 protein (p.Leu163Phe). The leucine residue is highly conserved and there is a small physicochemical difference between leucine and phenylalanine.

Literature cited by the submitters: PubMed 25271085; PubMed 29037998.